The following is an entry in ClinVar:

NM_173560.4(RFX6):c.165C>T (p.Gly55=)

Genes: RFX6 (regulatory factor X6; plus strand), LOC127407129 (RFX6 promoter region; plus strand). Cytogenetic location: 6q22.1.
Variant type: single nucleotide variant.
Coding change: c.165C>T on transcript NM_173560.4 (MANE Select); coding-DNA position 165, C replaced by T.
Protein change: p.Gly55=; no amino-acid change (glycine 55 retained).
Molecular consequence: synonymous variant.
Genome position (GRCh38, 1-based): chr6:116,877,440, C>T. VCF-style: chr6-116877440-C-T. GRCh37 (hg19) VCF-style: chr6-117198603-C-T.
Other names: c.165C>T (NM_173560.3).
Identifiers: ClinVar variation 1336023 (VCV001336023.16), dbSNP rs368072920, ClinGen allele CA3972951.

ClinVar aggregate classification (germline): Benign. Review status: criteria provided, multiple submitters, no conflicts (2 of 4 stars). 3 submissions from 3 submitters: Benign (2). 1 of the submissions does not count toward it. Last evaluated 2025-12-22.

Conditions:
RFX6-related disorder. Also called: RFX6-related condition.

Allele frequency attached by ClinVar (database versions not stated): ESP Exome Variant Server 0.00015; 1000 Genomes Project 30x 0.00016; 1000 Genomes Project 0.00020; gnomAD 0.00041 and 0.00044; TOPMed 0.00044; gnomAD exomes 0.00071; ExAC 0.00095.
gnomAD v4.1: 650 of 1,587,382 alleles (0.041%); highest among the groups gnomAD compares: South Asian, 0.029%; 3 homozygotes.

Submissions (3):

Labcorp Genetics (formerly Invitae), Labcorp
Classification: Benign. Last evaluated: 2025-12-22. Review status: criteria provided, single submitter. Criteria: Invitae Variant Classification Sherloc (09022015). Collection method: clinical testing. Allele origin: germline.

Genetic Services Laboratory, University of Chicago
Classification: Benign. Last evaluated: 2021-05-24. Review status: criteria provided, single submitter. Criteria: ACMG Guidelines, 2015. Collection method: clinical testing. Allele origin: germline. Affected: no.

PreventionGenetics, part of Exact Sciences
Classification: Benign for RFX6-related condition. Last evaluated: 2024-03-19. Review status: no assertion criteria provided. Collection method: clinical testing. Allele origin: germline. Not counted in ClinVar's aggregate classification.
Comment: This variant is classified as benign based on ACMG/AMP sequence variant interpretation guidelines (Richards et al. 2015 PMID: 25741868, with internal and published modifications).